The following is an entry in ClinVar:

NM_177531.6(PKHD1L1):c.12174G>A (p.Gly4058=)

Genes: PKHD1L1 (PKHD1 like 1; plus strand), LOC126860473 (MED14-independent group 3 enhancer GRCh37_chr8:110534343-110535542; plus strand). Cytogenetic location: 8q23.2.
Variant type: single nucleotide variant.
Coding change: c.12174G>A on transcript NM_177531.6 (MANE Select); coding-DNA position 12174, G replaced by A.
Protein change: p.Gly4058=; no amino-acid change (glycine 4058 retained).
Molecular consequence: synonymous variant.
Genome position (GRCh38, 1-based): chr8:109,522,328, G>A. VCF-style: chr8-109522328-G-A. GRCh37 (hg19) VCF-style: chr8-110534557-G-A.
Identifiers: ClinVar variation 4988803 (VCV004988803.1).

ClinVar aggregate classification (germline): Likely benign (1 of 4 stars; one submission).

Conditions:
PKHD1L1-related disorder. Also called: PKHD1L1-related condition.

Submission:

PreventionGenetics, part of Exact Sciences
Classification: Likely benign for PKHD1L1-related condition. Last evaluated: 2026-07-14. Review status: criteria provided, single submitter. Criteria: ACMG Guidelines, 2015. Collection method: clinical testing. Allele origin: germline.
Comment: This variant is classified as likely benign based on ACMG/AMP sequence variant interpretation guidelines (Richards et al. 2015 PMID: 25741868, with internal and published modifications).